The following is an entry in ClinVar:

ClinVar aggregate classification (germline): not provided (0 of 4 stars; one submission).

Conditions:
Normal pregnancy. Identifiers: MedGen C0232989.

Submission:

Institute of Molecular and Cell Biology, University of Tartu
No classification provided. Condition: Normal pregnancy. Review status: no classification provided. Collection method: case-control. Allele origin: unknown. Affected: yes. Study: Kasak2014.
Comment: The study aimed to determine the contribution of copy number variants in the genetic etiology of normal and complicated pregnancies. The samples represented (i) maternal blood DNA drawn from healthy pregnant women during 1st or 2nd trimester and (ii) maternal and paternal blood DNA drawn at term pregnancy cases representing normal and complicated gestations (severe preeclampsia, PE; gestational diabetes, GD; small-for-gestational age newborn, SGA; large-for-gestational age newborn, LGA). We performed CNV calling based on genome-wide genotyping dataset (Illumina HumanOmniExpress-24-v1 BeadChip) by applying three algorithms, QuantiSNP, GADA (Genome Alteration Detection Algorithm) and CNstream in parallel. The acquired CNV calls were merged with HD-CNV (Hotspot Detector for Copy Number Variants) program and only the CNVs predicted by at least two programs, were considered in subsequent analysis.

Literature cited by the submitters: PubMed 25666259.

NM_005555.3(KRT6B):c.-16752_-90del

Gene: KRT6C (keratin 6C; minus strand). Cytogenetic location: 12q13.13.
Variant type: Deletion.
Coding change: c.-16752_-90del on transcript NM_005555.3; 16752 bases upstream of the start codon through 90 bases upstream of the start codon, this stretch deleted.
Identifiers: ClinVar variation 157253 (VCV000157253.2).